The following is an entry in ClinVar:

NM_001003694.2(BRPF1):c.1870A>G (p.Ile624Val)

Gene: BRPF1 (bromodomain and PHD finger containing 1; plus strand). Cytogenetic location: 3p25.3.
Variant type: single nucleotide variant.
Coding change: c.1870A>G on transcript NM_001003694.2 (MANE Select); coding-DNA position 1870, A replaced by G.
Protein change: p.Ile624Val; replaces isoleucine 624 with valine.
Molecular consequence: missense variant. On other transcripts: non-coding transcript variant (1).
Genome position (GRCh38, 1-based): chr3:9,742,040, A>G. VCF-style: chr3-9742040-A-G. GRCh37 (hg19) VCF-style: chr3-9783724-A-G.
Other names: c.1870A>G, p.Ile624Val (NM_001319049.2, NM_001319050.2, NM_001410704.1 and 1 more transcripts); short protein forms I624V.
Identifiers: ClinVar variation 1805758 (VCV001805758.1), dbSNP rs2471490235, ClinGen allele CA351691615.
Genomic context (GRCh38, chr3:9,742,040, plus strand): 5'-CTGAACTGGCCGAGGCCTGGCTGATCAGGCCTTTTTCTATGTTAGATCAAGGTTCAGCAG[A>G]TTGCCATGGAGATGCAGCTGACTCCTTTCCTCATCCTCCTTCGCAAAACCTTGGAGCAGC-3'
Protein context (NP_001003694.1, residues 614-634): LKRETIKVQQ[Ile624Val]AMEMQLTPFL

ClinVar aggregate classification (germline): Uncertain significance (1 of 4 stars; one submission).

Conditions:
Intellectual developmental disorder with dysmorphic facies and ptosis (IDDDFP). Identifiers: Orphanet 698090, MedGen C4310617, MONDO:0015022, OMIM 617333.

Submission:

Victorian Clinical Genetics Services, Murdoch Childrens Research Institute
Classification: Uncertain significance for Intellectual developmental disorder with dysmorphic facies and ptosis. Last evaluated: 2019-08-28. Review status: criteria provided, single submitter. Criteria: ACMG Guidelines, 2015. Collection method: clinical testing. Allele origin: germline. Inheritance: Autosomal dominant inheritance. Affected: yes.
Comment: A heterozygous missense variant, NM_001003694.1(BRPF1):c.1870A>G, has been identified in exon 5 of 40 of the BRPF1 gene. The variant is predicted to result in a minor amino acid change from isoleucine to valine at position 624 of the protein (NP_001003694.1(BRPF1):p.(Ile624Val)). The isoleucine residue at this position has low conservation (100 vertebrates, UCSC), and is located within the COG5141 super family domain. In silico predictions for this variant are consistently benign (Polyphen, SIFT, CADD, Mutation Taster). The variant is absent in population databases (gnomAD, dbSNP, 1000G) and has not been previously reported in clinical cases. Based on the information available at the time of curation, this variant has been classified as a VARIANT of UNCERTAIN SIGNIFICANCE (VUS) with LOW CLINICAL RELEVANCE.